The following is an entry in ClinVar:

ClinVar aggregate classification (germline): Uncertain significance. Review status: criteria provided, multiple submitters, no conflicts (2 of 4 stars). 2 submissions from 2 submitters: Uncertain significance (2). Last evaluated 2025-04-11.

Conditions:
Inborn genetic diseases. Identifiers: MedGen C0950123, MeSH D030342.
Primary ciliary dyskinesia 30. Also called: CILIARY DYSKINESIA, PRIMARY, 30, WITH OR WITHOUT SITUS INVERSUS. Identifiers: Orphanet 244, MedGen C4015016, MONDO:0014465, OMIM 616037.

Allele frequency attached by ClinVar (database versions not stated): 1000 Genomes Project 30x 0.00016; gnomAD 0.00001 and 0.00003; gnomAD exomes 0.00002; ExAC 0.00003; 1000 Genomes Project 0.00020.
gnomAD v4.1: 23 of 1,613,674 alleles (0.0014%); highest among the groups gnomAD compares: South Asian, 0.02%; no homozygotes.

Submissions (2):

Ambry Genetics
Classification: Uncertain significance for Inborn genetic diseases. Last evaluated: 2025-04-11. Review status: criteria provided, single submitter. Criteria: Ambry Variant Classification Scheme 2023. Collection method: clinical testing. Allele origin: germline.

Labcorp Genetics (formerly Invitae), Labcorp
Classification: Uncertain significance for Primary ciliary dyskinesia 30. Last evaluated: 2021-09-01. Review status: criteria provided, single submitter. Criteria: Invitae Variant Classification Sherloc (09022015). Collection method: clinical testing. Allele origin: germline.
Comment: This sequence change replaces aspartic acid with asparagine at codon 18 of the CCDC151 protein (p.Asp18Asn). The aspartic acid residue is weakly conserved and there is a small physicochemical difference between aspartic acid and asparagine. This variant is present in population databases (rs578106295, ExAC 0.02%). This variant has not been reported in the literature in individuals affected with CCDC151-related conditions. Algorithms developed to predict the effect of missense changes on protein structure and function are either unavailable or do not agree on the potential impact of this missense change (SIFT: "Deleterious"; PolyPhen-2: "Possibly Damaging"; Align-GVGD: "Class C0"). In summary, the available evidence is currently insufficient to determine the role of this variant in disease. Therefore, it has been classified as a Variant of Uncertain Significance.

NM_145045.5(ODAD3):c.52G>A (p.Asp18Asn)

Gene: ODAD3 (outer dynein arm docking complex subunit 3; minus strand). Cytogenetic location: 19p13.2.
Variant type: single nucleotide variant.
Coding change: c.52G>A on transcript NM_145045.5 (MANE Select); coding-DNA position 52, G replaced by A.
Protein change: p.Asp18Asn; replaces aspartic acid 18 with asparagine.
Molecular consequence: missense variant. On other transcripts: intron variant (1).
Genome position (GRCh38, 1-based): chr19:11,434,965, C>T on the plus strand (G>A on the coding strand, the complement: ODAD3 is on the minus strand). VCF-style: chr19-11434965-C-T. GRCh37 (hg19) VCF-style: chr19-11545786-C-T.
Other names: c.52G>A, p.Asp18Asn (NM_001302454.2); c.82+725G>A (NM_001302453.1); short protein forms D18N.
Identifiers: ClinVar variation 406817 (VCV000406817.7), dbSNP rs578106295, ClinGen allele CA9212573.